The following is an entry in ClinVar:

NM_004991.4(MECOM):c.2482A>G (p.Ile828Val)

Gene: MECOM (MDS1 and EVI1 complex locus; minus strand). Cytogenetic location: 3q26.2.
Variant type: single nucleotide variant.
Coding change: c.2482A>G on transcript NM_004991.4 (MANE Select); coding-DNA position 2482, A replaced by G.
Protein change: p.Ile828Val; replaces isoleucine 828 with valine.
Molecular consequence: missense variant.
Genome position (GRCh38, 1-based): chr3:169,115,390, T>C on the plus strand (A>G on the coding strand, the complement: MECOM is on the minus strand). VCF-style: chr3-169115390-T-C. GRCh37 (hg19) VCF-style: chr3-168833178-T-C.
Other names: c.2113A>G, p.Ile705Val (NM_001105077.4); c.1918A>G, p.Ile640Val (NM_001105078.4, NM_001164000.2, NM_001205194.2 and 4 more transcripts); c.1921A>G, p.Ile641Val (NM_001163999.2, NM_001366467.2, NM_001366468.2 and 1 more transcripts); c.2482A>G, p.Ile828Val (NM_001366466.2); c.1510A>G, p.Ile504Val (NM_001366473.2); c.946A>G, p.Ile316Val (NM_001366474.2); short protein forms I316V, I504V, I640V, I641V, I705V, I828V.
Identifiers: ClinVar variation 3394289 (VCV003394289.1).

ClinVar aggregate classification (germline): Uncertain significance (1 of 4 stars; one submission).

Conditions:
Inborn genetic diseases. Identifiers: MedGen C0950123, MeSH D030342.

gnomAD v4.1: 2 of 1,613,712 alleles (0.00012%); highest among the groups gnomAD compares: Non-Finnish European, 0.000085%; no homozygotes.

Submission:

Ambry Genetics
Classification: Uncertain significance for Inborn genetic diseases. Last evaluated: 2024-11-23. Review status: criteria provided, single submitter. Criteria: Ambry Variant Classification Scheme 2023. Collection method: clinical testing. Allele origin: germline.
Comment: The p.I828V variant (also known as c.2482A>G), located in coding exon 8 of the MECOM gene, results from an A to G substitution at nucleotide position 2482. The isoleucine at codon 828 is replaced by valine, an amino acid with highly similar properties. This amino acid position is conserved. In addition, this alteration is predicted to be tolerated by in silico analysis. Based on the available evidence, the clinical significance of this variant remains unclear.